The following is an entry in ClinVar:

ClinVar aggregate classification (germline): Pathogenic. Review status: criteria provided, multiple submitters, no conflicts (2 of 4 stars). 2 submissions from 2 submitters: Pathogenic (2). Last evaluated 2023-06-27.

Conditions:
Familial cancer of breast. Also called: BREAST CANCER, FAMILIAL; Hereditary breast cancer; hereditary breast carcinoma. Identifiers: Orphanet 227535, MedGen C0346153, MONDO:0016419, OMIM 114480. Disease mechanism: loss of function.

Submissions (2):

Myriad Genetics, Inc.
Classification: Pathogenic for Familial cancer of breast. Last evaluated: 2023-06-27. Review status: criteria provided, single submitter. Criteria: Myriad Autosomal Dominant, Autosomal Recessive and X-Linked Classification Criteria (2023). Collection method: clinical testing. Allele origin: unknown.
Comment: This variant is considered pathogenic. This variant creates a frameshift predicted to result in premature protein truncation.

Labcorp Genetics (formerly Invitae), Labcorp
Classification: Pathogenic for Familial cancer of breast. Last evaluated: 2019-09-16. Review status: criteria provided, single submitter. Criteria: Invitae Variant Classification Sherloc (09022015). Collection method: clinical testing. Allele origin: germline.
Comment: This sequence change creates a premature translational stop signal (p.Glu351Argfs*14) in the CHEK2 gene. It is expected to result in an absent or disrupted protein product. This variant is not present in population databases (ExAC no frequency). This variant has not been reported in the literature in individuals with CHEK2-related conditions. Loss-of-function variants in CHEK2 are known to be pathogenic (PMID: 21876083, 24713400). For these reasons, this variant has been classified as Pathogenic.

Literature cited by the submitters: PubMed 21876083 (cited by Labcorp Genetics (formerly Invitae), Labcorp); PubMed 24713400 (cited by Labcorp Genetics (formerly Invitae), Labcorp).

NM_007194.4(CHEK2):c.1050del (p.Glu351fs)

Gene: CHEK2 (checkpoint kinase 2; minus strand). Cytogenetic location: 22q12.1.
Variant type: Deletion.
Coding change: c.1050del on transcript NM_007194.4 (MANE Select); coding-DNA position 1050, one base deleted (A; older notation c.1050delA).
Protein change: p.Glu351fs; shifts the reading frame from glutamic acid 351.
Molecular consequence: frameshift variant. On other transcripts: intron variant (3).
Genome position (GRCh38, 1-based): chr22:28,696,946, T deleted on the plus strand (A on the coding strand, the reverse complement: CHEK2 is on the minus strand). VCF-style (leftmost placement, unchanged base first): chr22-28696945-CT-C. GRCh37 (hg19) VCF-style: chr22-29092933-CT-C.
Other names: c.1179del, p.Glu394fs (NM_001005735.3); c.387del, p.Glu130fs (NM_001257387.3, NM_001437942.1); c.849del, p.Glu284fs (NM_001349956.3); c.1143del, p.Glu382fs (NM_001438293.1); c.1009-1073del (NM_145862.3); c.1102-1073del (NM_001438295.1); c.1138-1073del (NM_001438294.1); short protein forms E394fs, E130fs, E284fs, E351fs, E382fs.
Identifiers: ClinVar variation 961506 (VCV000961506.10), dbSNP rs2052610542, ClinGen allele CA1139667022.